The following is an entry in ClinVar:

ClinVar aggregate classification (germline): Uncertain significance. Review status: criteria provided, multiple submitters, no conflicts (2 of 4 stars). 2 submissions from 2 submitters: Uncertain significance (2). Last evaluated 2021-08-18.

Conditions:
Cardiovascular phenotype. Identifiers: MedGen CN230736.
Progressive familial heart block type IB (PFHB1B). Identifiers: Orphanet 871, MedGen C1970298, MONDO:0011474, OMIM 604559.

Submissions (2):

Labcorp Genetics (formerly Invitae), Labcorp
Classification: Uncertain significance for Progressive familial heart block type IB. Last evaluated: 2021-08-18. Review status: criteria provided, single submitter. Criteria: Invitae Variant Classification Sherloc (09022015). Collection method: clinical testing. Allele origin: germline.
Comment: This variant has not been reported in the literature in individuals affected with TRPM4-related conditions. In summary, the available evidence is currently insufficient to determine the role of this variant in disease. Therefore, it has been classified as a Variant of Uncertain Significance. Algorithms developed to predict the effect of missense changes on protein structure and function (SIFT, PolyPhen-2, Align-GVGD) all suggest that this variant is likely to be tolerated. This sequence change replaces glutamic acid with glutamine at codon 743 of the TRPM4 protein (p.Glu743Gln). The glutamic acid residue is weakly conserved and there is a small physicochemical difference between glutamic acid and glutamine. The frequency data for this variant in the population databases is considered unreliable, as metrics indicate insufficient coverage at this position in the ExAC database.

Ambry Genetics
Classification: Uncertain significance for Cardiovascular phenotype. Last evaluated: 2021-07-04. Review status: criteria provided, single submitter. Criteria: Ambry Variant Classification Scheme 2023. Collection method: clinical testing. Allele origin: germline.
Comment: The p.E743Q variant (also known as c.2227G>C), located in coding exon 17 of the TRPM4 gene, results from a G to C substitution at nucleotide position 2227. The glutamic acid at codon 743 is replaced by glutamine, an amino acid with highly similar properties. This amino acid position is conserved. In addition, this alteration is predicted to be tolerated by in silico analysis. Since supporting evidence is limited at this time, the clinical significance of this alteration remains unclear.

NM_017636.4(TRPM4):c.2227G>C (p.Glu743Gln)

Gene: TRPM4 (transient receptor potential cation channel subfamily M member 4; plus strand). Cytogenetic location: 19q13.33.
Variant type: single nucleotide variant.
Coding change: c.2227G>C on transcript NM_017636.4 (MANE Select); coding-DNA position 2227, G replaced by C.
Protein change: p.Glu743Gln; replaces glutamic acid 743 with glutamine.
Molecular consequence: missense variant. On other transcripts: intron variant (1).
Genome position (GRCh38, 1-based): chr19:49,196,456, G>C. VCF-style: chr19-49196456-G-C. GRCh37 (hg19) VCF-style: chr19-49699713-G-C.
Other names: c.1882G>C, p.Glu628Gln (NM_001321281.2); c.619G>C, p.Glu207Gln (NM_001321282.2); c.1705G>C, p.Glu569Gln (NM_001321283.2); c.1165G>C, p.Glu389Gln (NM_001321285.2); c.2211-3844G>C (NM_001195227.2); short protein forms E569Q, E628Q, E743Q, E207Q, E389Q.
Identifiers: ClinVar variation 1375892 (VCV001375892.8), dbSNP rs2123040780, ClinGen allele CA406808485.